The following is an entry in ClinVar:

NM_022051.3(EGLN1):c.781G>A (p.Gly261Ser)

Genes: EGLN1 (egl-9 family hypoxia inducible factor 1; minus strand), LOC129932769 (ATAC-STARR-seq lymphoblastoid active region 2730; plus strand). Cytogenetic location: 1q42.2.
Variant type: single nucleotide variant.
Coding change: c.781G>A on transcript NM_022051.3 (MANE Select); coding-DNA position 781, G replaced by A.
Protein change: p.Gly261Ser; replaces glycine 261 with serine.
Molecular consequence: missense variant.
Genome position (GRCh38, 1-based): chr1:231,421,108, C>T on the plus strand (G>A on the coding strand, the complement: EGLN1 is on the minus strand). VCF-style: chr1-231421108-C-T. GRCh37 (hg19) VCF-style: chr1-231556854-C-T.
Other names: c.781G>A, p.Gly261Ser (NM_001377260.1, NM_001377261.1); short protein forms G261S.
Identifiers: ClinVar variation 3227744 (VCV003227744.1), dbSNP rs2527358608, ClinGen allele CA345235296.

ClinVar aggregate classification (germline): Uncertain significance (1 of 4 stars; one submission).

Submission:

Ambry Genetics
Classification: Uncertain significance. Last evaluated: 2023-12-31. Review status: criteria provided, single submitter. Criteria: Ambry Variant Classification Scheme 2023. Collection method: clinical testing. Allele origin: germline.
Comment: The p.G261S variant (also known as c.781G>A), located in coding exon 1 of the EGLN1 gene, results from a G to A substitution at nucleotide position 781. The glycine at codon 261 is replaced by serine, an amino acid with similar properties. This amino acid position is conserved. In addition, this alteration is predicted to be deleterious by in silico analysis. Since supporting evidence is limited at this time, the clinical significance of this alteration remains unclear.